The following is an entry in ClinVar:

ClinVar aggregate classification (germline): Uncertain significance. Review status: criteria provided, multiple submitters, no conflicts (2 of 4 stars). 2 submissions from 2 submitters: Uncertain significance (2). Last evaluated 2022-05-06.

Conditions:
Inborn genetic diseases. Identifiers: MedGen C0950123, MeSH D030342.
Hereditary spastic paraplegia 54. Also called: Spastic paraplegia 54, autosomal recessive. Identifiers: Orphanet 320380, MedGen C3539495, MONDO:0014018, OMIM 615033.

Allele frequency attached by ClinVar (database versions not stated): TOPMed below 0.00001; gnomAD exomes 0.00001.
gnomAD v4.1: 9 of 1,600,972 alleles (0.00056%); highest among the groups gnomAD compares: African/African-American, 0.0013%; no homozygotes.

Submissions (2):

Ambry Genetics
Classification: Uncertain significance for Inborn genetic diseases. Last evaluated: 2022-05-06. Review status: criteria provided, single submitter. Criteria: Ambry Variant Classification Scheme 2023. Collection method: clinical testing. Allele origin: germline.

Labcorp Genetics (formerly Invitae), Labcorp
Classification: Uncertain significance for Hereditary spastic paraplegia 54. Last evaluated: 2021-08-27. Review status: criteria provided, single submitter. Criteria: Invitae Variant Classification Sherloc (09022015). Collection method: clinical testing. Allele origin: germline.
Comment: This sequence change replaces serine with leucine at codon 354 of the DDHD2 protein (p.Ser354Leu). The serine residue is highly conserved and there is a large physicochemical difference between serine and leucine. This variant is not present in population databases (ExAC no frequency). This variant has not been reported in the literature in individuals affected with DDHD2-related conditions. Algorithms developed to predict the effect of missense changes on protein structure and function (SIFT, PolyPhen-2, Align-GVGD) all suggest that this variant is likely to be disruptive. In summary, the available evidence is currently insufficient to determine the role of this variant in disease. Therefore, it has been classified as a Variant of Uncertain Significance.

NM_015214.3(DDHD2):c.1061C>T (p.Ser354Leu)

Gene: DDHD2 (DDHD domain containing 2; plus strand). Cytogenetic location: 8p11.23.
Variant type: single nucleotide variant.
Coding change: c.1061C>T on transcript NM_015214.3 (MANE Select); coding-DNA position 1061, C replaced by T.
Protein change: p.Ser354Leu; replaces serine 354 with leucine.
Molecular consequence: missense variant.
Genome position (GRCh38, 1-based): chr8:38,246,236, C>T. VCF-style: chr8-38246236-C-T. GRCh37 (hg19) VCF-style: chr8-38103754-C-T.
Other names: c.1061C>T, p.Ser354Leu (NM_001164232.2, NM_001362911.2, NM_001362912.2 and 1 more transcripts); c.971C>T, p.Ser324Leu (NM_001362913.2); short protein forms S324L, S354L.
Identifiers: ClinVar variation 639658 (VCV000639658.3), dbSNP rs1585731793, ClinGen allele CA370685101.
Genomic context (GRCh38, chr8:38,246,236, plus strand): 5'-AGAGAGCCATTTAGTGCTAATGCTTAGAAATTGTCCCTTCTTCTATTTTACTTATAGGTT[C>T]GCTTATATTGTTTGATATCCTAACAAATCAGAAAGATTCTTTGGGGGATATTGACAGTGA-3'
Protein context (NP_056029.2, residues 344-364): GVSIAGHSLG[Ser354Leu]LILFDILTNQ